The following is an entry in ClinVar:

NM_000089.4(COL1A2):c.110A>G (p.Asp37Gly)

Gene: COL1A2 (collagen type I alpha 2 chain; plus strand). Cytogenetic location: 7q21.3.
Variant type: single nucleotide variant.
Coding change: c.110A>G on transcript NM_000089.4 (MANE Select); coding-DNA position 110, A replaced by G.
Protein change: p.Asp37Gly; replaces aspartic acid 37 with glycine.
Molecular consequence: missense variant.
Genome position (GRCh38, 1-based): chr7:94,399,062, A>G. VCF-style: chr7-94399062-A-G. GRCh37 (hg19) VCF-style: chr7-94028374-A-G.
Other names: short protein forms D37G.
Identifiers: ClinVar variation 2949774 (VCV002949774.3), dbSNP rs1791635844, ClinGen allele CA368219053.

ClinVar aggregate classification (germline): Uncertain significance (1 of 4 stars; one submission).

Conditions:
Osteogenesis imperfecta type I (OI1). Also called: Lobstein disease; OI, TYPE I; OSTEOGENESIS IMPERFECTA TARDA; OSTEOGENESIS IMPERFECTA WITH BLUE SCLERAE; Osteogenesis imperfecta type 1; Lobstein's Disease. Identifiers: Orphanet 216796, Orphanet 666, MedGen C0023931, MONDO:0008146, OMIM 166200. Disease mechanism: loss of function.
Ehlers-Danlos syndrome, classic type, 1 (EDSCL1). Also called: EDS I; EHLERS-DANLOS SYNDROME, GRAVIS TYPE; EHLERS-DANLOS SYNDROME, SEVERE CLASSIC TYPE; Ehlers-Danlos syndrome, type 1; Ehlers-Danlos Syndrome, Classic Type, COL5A1-Related. Identifiers: MedGen C0268335, MONDO:0019567, OMIM 130000.

Allele frequency attached by ClinVar (database versions not stated): TOPMed below 0.00001.

Submission:

Labcorp Genetics (formerly Invitae), Labcorp
Classification: Uncertain significance for Osteogenesis imperfecta type I; Ehlers-Danlos syndrome, classic type, 1. Last evaluated: 2025-12-29. Review status: criteria provided, single submitter. Criteria: Invitae Variant Classification Sherloc (09022015). Collection method: clinical testing. Allele origin: germline.
Comment: This sequence change replaces aspartic acid, which is acidic and polar, with glycine, which is neutral and non-polar, at codon 37 of the COL1A2 protein (p.Asp37Gly). This variant is not present in population databases (gnomAD no frequency). This missense change has been observed in individual(s) with Osteogenesis imperfecta (PMID: 27748872, 35909573). ClinVar contains an entry for this variant (Variation ID: 2949774). Invitae Evidence Modeling of protein sequence and biophysical properties (such as structural, functional, and spatial information, amino acid conservation, physicochemical variation, residue mobility, and thermodynamic stability) indicates that this missense variant is not expected to disrupt COL1A2 protein function with a negative predictive value of 95%. In summary, the available evidence is currently insufficient to determine the role of this variant in disease. Therefore, it has been classified as a Variant of Uncertain Significance.

Literature cited by the submitters: PubMed 27748872; PubMed 35909573.